The following is an entry in ClinVar:

NM_020458.4(TTC7A):c.2545C>T (p.Leu849=)

Gene: TTC7A (tetratricopeptide repeat domain 7A; plus strand). Cytogenetic location: 2p21.
Variant type: single nucleotide variant.
Coding change: c.2545C>T on transcript NM_020458.4 (MANE Select); coding-DNA position 2545, C replaced by T.
Protein change: p.Leu849=; no amino-acid change (leucine 849 retained).
Molecular consequence: synonymous variant.
Genome position (GRCh38, 1-based): chr2:47,073,891, C>T. VCF-style: chr2-47073891-C-T. GRCh37 (hg19) VCF-style: chr2-47301030-C-T.
Other names: c.2617C>T, p.Leu873= (NM_001288951.2); c.2443C>T, p.Leu815= (NM_001288953.2); c.1483C>T, p.Leu495= (NM_001288955.2); c.2545C>T (NM_020458.3).
Identifiers: ClinVar variation 1668423 (VCV001668423.10), dbSNP rs746188502, ClinGen allele CA1648191.

ClinVar aggregate classification (germline): Likely benign. Review status: criteria provided, single submitter (1 of 4 stars). 2 submissions from 2 submitters: Likely benign (1). 1 of the submissions does not count toward it. Last evaluated 2025-12-03.

Conditions:
Multiple gastrointestinal atresias. Also called: FAMILIAL INTESTINAL POLYATRESIA SYNDROME; Multiple intestinal atresia. Identifiers: Orphanet 2300, MedGen C0220744, MONDO:0009465.
TTC7A-related disorder. Also called: TTC7A-related condition.

Allele frequency attached by ClinVar (database versions not stated): ExAC 0.00001; gnomAD exomes 0.00001 and 0.00003.
gnomAD v4.1: 37 of 1,613,080 alleles (0.0023%); highest among the groups gnomAD compares: Non-Finnish European, 0.0031%; no homozygotes.

Submissions (2):

Labcorp Genetics (formerly Invitae), Labcorp
Classification: Likely benign for Multiple gastrointestinal atresias. Last evaluated: 2025-12-03. Review status: criteria provided, single submitter. Criteria: Invitae Variant Classification Sherloc (09022015). Collection method: clinical testing. Allele origin: germline.

PreventionGenetics, part of Exact Sciences
Classification: Likely benign for TTC7A-related condition. Last evaluated: 2021-04-07. Review status: no assertion criteria provided. Collection method: clinical testing. Allele origin: germline. Not counted in ClinVar's aggregate classification.
Comment: This variant is classified as likely benign based on ACMG/AMP sequence variant interpretation guidelines (Richards et al. 2015 PMID: 25741868, with internal and published modifications).